The following is an entry in ClinVar:

ClinVar aggregate classification (germline): Uncertain significance. Review status: criteria provided, multiple submitters, no conflicts (2 of 4 stars). 2 submissions from 2 submitters: Uncertain significance (2). Last evaluated 2024-04-25.

Conditions:
X-linked intellectual disability Cabezas type (MRXSC). Also called: MENTAL RETARDATION, X-LINKED, SYNDROMIC 15; Intellectual developmental disorder, X-linked syndromic, Cabezas type; CABEZAS SYNDROME. Identifiers: Orphanet 85289, Orphanet 85293, MedGen C1845861, MONDO:0010306, OMIM 300354.

Allele frequency attached by ClinVar (database versions not stated): gnomAD exomes below 0.00001 and 0.00001; gnomAD 0.00001; TOPMed 0.00001; ExAC 0.00001.
gnomAD v4.1: 6 of 1,194,332 alleles (0.0005%); highest among the groups gnomAD compares: East Asian, 0.015%; no homozygotes.

Submissions (2):

Labcorp Genetics (formerly Invitae), Labcorp
Classification: Uncertain significance for X-linked intellectual disability Cabezas type. Last evaluated: 2024-04-25. Review status: criteria provided, single submitter. Criteria: Invitae Variant Classification Sherloc (09022015). Collection method: clinical testing. Allele origin: germline.
Comment: This sequence change falls in intron 2 of the CUL4B gene. It does not directly change the encoded amino acid sequence of the CUL4B protein. It affects a nucleotide within the consensus splice site. This variant is not present in population databases (gnomAD no frequency). This variant has not been reported in the literature in individuals affected with CUL4B-related conditions. ClinVar contains an entry for this variant (Variation ID: 499358). Variants that disrupt the consensus splice site are a relatively common cause of aberrant splicing (PMID: 17576681, 9536098). Algorithms developed to predict the effect of sequence changes on RNA splicing suggest that this variant is not likely to affect RNA splicing. In summary, the available evidence is currently insufficient to determine the role of this variant in disease. Therefore, it has been classified as a Variant of Uncertain Significance.

Eurofins Ntd Llc (ga)
Classification: Uncertain significance. Last evaluated: 2016-12-20. Review status: criteria provided, single submitter. Criteria: EGL Classification Definitions 2015. Collection method: clinical testing. Allele origin: germline. Observed: 1 variant allele, 1 hemizygote.

Literature cited by the submitters: PubMed 17576681 (cited by Labcorp Genetics (formerly Invitae), Labcorp); PubMed 9536098 (cited by Labcorp Genetics (formerly Invitae), Labcorp).

NC_000023.11:g.120574548C>T

Gene: CUL4B (cullin 4B; minus strand). Cytogenetic location: Xq24.
Variant type: single nucleotide variant.
Molecular consequence: intron variant (on NM_003588.4).
Genome position: GRCh38 VCF-style: chrX-120574548-C-T. GRCh37 (hg19) VCF-style: chrX-119708403-C-T.
Other names: c.67+3G>A (NM_003588.4).
Identifiers: ClinVar variation 499358 (VCV000499358.9), dbSNP rs779515448, ClinGen allele CA10505797.
Genomic context (GRCh38, chrX:120,574,548, plus strand): 5'-GCGCCCGGCCTGTTAACAATTATTTAGACTTAACTCTTGAGTTTTACTAGTTCATTTACT[C>T]ACCACCGTCTTTAGAGGTAGTAGCCTCATCATCATTCCCATCTCCTGATCCAGATGACTG-3'